The following is an entry in ClinVar:

ClinVar aggregate classification (germline): Benign/Likely benign. Review status: criteria provided, multiple submitters, no conflicts (2 of 4 stars). 3 submissions from 3 submitters: Benign (1); Likely benign (2). Last evaluated 2025-04-16.

Conditions:
Posterior polymorphous corneal dystrophy. Also called: CORNEAL DYSTROPHY, HEREDITARY POLYMORPHOUS POSTERIOR; Polymorphous corneal dystrophy. Identifiers: Orphanet 98973, MedGen C0339284, MONDO:0020364, HP:0007915.

Allele frequency attached by ClinVar (database versions not stated): TOPMed 0.00123; 1000 Genomes Project 30x 0.00250; 1000 Genomes Project 0.00260.
gnomAD v4.1: 964 of 1,612,800 alleles (0.06%); highest among the groups gnomAD compares: East Asian, 1.9%; 12 homozygotes.

Submissions (3):

Labcorp Genetics (formerly Invitae), Labcorp
Classification: Benign. Last evaluated: 2025-04-16. Review status: criteria provided, single submitter. Criteria: Invitae Variant Classification Sherloc (09022015). Collection method: clinical testing. Allele origin: germline.

Blueprint Genetics
Classification: Likely benign. Last evaluated: 2024-11-25. Review status: criteria provided, single submitter. Criteria: ACMG Guidelines, 2015. Collection method: clinical testing. Allele origin: germline.

Illumina Laboratory Services, Illumina
Classification: Likely benign for Polymorphous corneal dystrophy. Last evaluated: 2017-04-27. Review status: criteria provided, single submitter. Criteria: ICSL Variant Classification Criteria 13 December 2019. Collection method: clinical testing. Allele origin: germline.
Comment: This variant was observed as part of a predisposition screen in an ostensibly healthy population. A literature search was performed for the gene, cDNA change, and amino acid change (where applicable). Publications were found based on this search. The evidence from the literature, in combination with allele frequency data from public databases where available, was sufficient to determine this variant is unlikely to cause disease. Therefore, this variant is classified as likely benign.

Literature cited by the submitters: PubMed 18626569 (cited by Illumina Laboratory Services, Illumina).

NM_014588.6(VSX1):c.479G>T (p.Gly160Val)

Gene: VSX1 (visual system homeobox 1; minus strand). Cytogenetic location: 20p11.21.
Variant type: single nucleotide variant.
Coding change: c.479G>T on transcript NM_014588.6 (MANE Select); coding-DNA position 479, G replaced by T.
Protein change: p.Gly160Val; replaces glycine 160 with valine.
Molecular consequence: missense variant. On other transcripts: non-coding transcript variant (3).
Genome position (GRCh38, 1-based): chr20:25,079,460, C>A on the plus strand (G>T on the coding strand, the complement: VSX1 is on the minus strand). VCF-style: chr20-25079460-C-A. GRCh37 (hg19) VCF-style: chr20-25060096-C-A.
Other names: c.479G>T, p.Gly160Val (NM_001256271.2, NM_001256272.2, NM_199425.3); short protein forms G160V.
Identifiers: ClinVar variation 337962 (VCV000337962.12), dbSNP rs74315433, ClinGen allele CA9793620.
Genomic context (GRCh38, chr20:25,079,460, plus strand): 5'-GGAAAGGCAGGCAGAGGGGACTGCCTGGCCCTATACCTGTGCCGCCGCTTCTTCCTCTTG[C>A]CCAAGGTGGGGGATGCCTTTAGGTCATTCCTGTCTTCAGACTGGCTGTCCTCATCTGATG-3'
Protein context (NP_055403.2, residues 150-170): RNDLKASPTL[Gly160Val]KRKKRRHRTV